The following is an entry in ClinVar:

ClinVar aggregate classification (germline): Conflicting classifications of pathogenicity. Review status: criteria provided, conflicting classifications (1 of 4 stars). 7 submissions from 7 submitters: Uncertain significance (2); Likely benign (4). 1 of the submissions does not count toward it. Last evaluated 2026-01-28.

Conditions:
Biotin-responsive basal ganglia disease (BTBGD). Also called: Thiamine metabolism dysfunction syndrome type 2; Thiamine Transporter-2 Deficiency; Thiamine metabolism dysfunction syndrome 2 (biotin- or thiamine-responsive encephalopathy type 2); thiamine-responsive encephalopathy; THIAMINE METABOLISM DYSFUNCTION SYNDROME 2 (BIOTIN- AND THIAMINE-RESPONSIVE TYPE). Identifiers: Orphanet 199348, Orphanet 65284, MedGen C1843807, MONDO:0011841, OMIM 607483.

Allele frequency attached by ClinVar (database versions not stated): ESP Exome Variant Server 0.00031; gnomAD 0.00034; gnomAD exomes 0.00035 and 0.00045; TOPMed 0.00039; 1000 Genomes Project 0.00040; 1000 Genomes Project 30x 0.00062; ExAC 0.00065.
gnomAD v4.1: 571 of 1,614,104 alleles (0.035%); highest among the groups gnomAD compares: African/African-American, 0.043%; no homozygotes.

Submissions (7):

Labcorp Genetics (formerly Invitae), Labcorp
Classification: Likely benign for Biotin-responsive basal ganglia disease. Last evaluated: 2026-01-28. Review status: criteria provided, single submitter. Criteria: Invitae Variant Classification Sherloc (09022015). Collection method: clinical testing. Allele origin: germline.

Athena Diagnostics
Classification: Uncertain significance. Last evaluated: 2025-10-16. Review status: criteria provided, single submitter. Criteria: Athena Diagnostics Criteria. Collection method: clinical testing. Allele origin: unknown.
Comment: Available data are insufficient to determine the clinical significance of the variant at this time. The frequency of this variant in the general population is higher than would generally be expected for pathogenic variants in this gene. Polyphen and MutationTaster predict this amino acid change may be benign.

GeneDx
Classification: Uncertain significance. Last evaluated: 2025-09-19. Review status: criteria provided, single submitter. Criteria: GeneDx Variant Classification Process June 2021. Collection method: clinical testing. Allele origin: germline. Affected: yes.
Comment: In silico analysis suggests that this missense variant does not alter protein structure/function; Has not been previously published as pathogenic or benign to our knowledge

Blueprint Genetics
Classification: Likely benign. Last evaluated: 2024-09-04. Review status: criteria provided, single submitter. Criteria: ACMG Guidelines, 2015. Collection method: clinical testing. Allele origin: germline.

Genome Diagnostics Laboratory, University Medical Center Utrecht
Classification: Likely benign for Biotin-responsive basal ganglia disease. Last evaluated: 2017-07-28. Review status: criteria provided, single submitter. Criteria: ACGS Guidelines, 2013. Collection method: clinical testing. Allele origin: germline. Affected: yes. Study: VKGL Data-share Consensus.

Clinical Genetics DNA and cytogenetics Diagnostics Lab, Erasmus MC, Erasmus Medical Center
Classification: Likely benign for Biotin-responsive basal ganglia disease. Last evaluated: 2015-12-10. Review status: criteria provided, single submitter. Criteria: ACGS Guidelines, 2013. Collection method: clinical testing. Allele origin: germline. Affected: yes. Study: VKGL Data-share Consensus.

Mayo Clinic Laboratories, Mayo Clinic
Classification: Uncertain significance. Last evaluated: 2016-02-26. Review status: no assertion criteria provided. Collection method: clinical testing. Allele origin: unknown. Not counted in ClinVar's aggregate classification.

Literature cited by the submitters: PubMed 28402605 (cited by Athena Diagnostics).

NM_025243.4(SLC19A3):c.1112C>T (p.Ala371Val)

Gene: SLC19A3 (solute carrier family 19 member 3; minus strand). Cytogenetic location: 2q36.3.
Variant type: single nucleotide variant.
Coding change: c.1112C>T on transcript NM_025243.4 (MANE Select); coding-DNA position 1112, C replaced by T.
Protein change: p.Ala371Val; replaces alanine 371 with valine.
Molecular consequence: missense variant.
Genome position (GRCh38, 1-based): chr2:227,695,949, G>A on the plus strand (C>T on the coding strand, the complement: SLC19A3 is on the minus strand). VCF-style: chr2-227695949-G-A. GRCh37 (hg19) VCF-style: chr2-228560665-G-A.
Other names: short protein forms A371V.
Identifiers: ClinVar variation 215156 (VCV000215156.23), dbSNP rs142166552, ClinGen allele CA320642.